The following is an entry in ClinVar:

ClinVar aggregate classification (germline): Pathogenic (1 of 4 stars; one submission).

Submission:

Labcorp Genetics (formerly Invitae), Labcorp
Classification: Pathogenic. Last evaluated: 2020-12-21. Review status: criteria provided, single submitter. Criteria: Invitae Variant Classification Sherloc (09022015). Collection method: clinical testing. Allele origin: germline.
Comment: For these reasons, this variant has been classified as Pathogenic. This variant has not been reported in the literature in individuals with RARS2-related conditions. This variant is a gross deletion of the genomic region encompassing exon(s) 8-10 of the RARS2 gene. This deletion is out-of-frame, and is expected to create a premature translational stop signal and result in an absent or disrupted protein product. Loss-of-function variants in RARS2 are known to be pathogenic (PMID: 17847012, 22569581, 26083569).

Literature cited by the submitters: PubMed 17847012; PubMed 22569581; PubMed 26083569.

NC_000006.11:g.(?_88239250)_(88251722_?)del

Gene: RARS2 (arginyl-tRNA synthetase 2, mitochondrial; minus strand). Cytogenetic location: 6q15.
Variant type: Deletion.
Identifiers: ClinVar variation 1460357 (VCV001460357.6).